The following is an entry in ClinVar:

ClinVar aggregate classification (germline): Pathogenic (1 of 4 stars; one submission).

Conditions:
Cerebellar dysfunction with variable cognitive and behavioral abnormalities (CECBA). Also called: Nonprogressive cerebellar atxia with intellectual disability. Identifiers: Orphanet 314647, MedGen C3553661, MONDO:0013886, OMIM 614756.

Submission:

Institute of Human Genetics, University of Leipzig Medical Center
Classification: Pathogenic for Cerebellar dysfunction with variable cognitive and behavioral abnormalities. Last evaluated: 2025-07-25. Review status: criteria provided, single submitter. Criteria: ACMG Guidelines, 2015. Collection method: clinical testing. Allele origin: de novo. Inheritance: Autosomal dominant inheritance. Affected: yes.
Comment: Criteria applied: PVS1_STR,PS2_MOD,PM2

NM_015215.4:c.(234+1_235-1)_(438+1_439-1)del

Gene: CAMTA1 (calmodulin binding transcription activator 1; plus strand).
Variant type: Deletion.
Other names: c.(234+1_235-1)_(438+1_439-1)del (NM_015215.4).
Identifiers: ClinVar variation 4082349 (VCV004082349.1).